The following is an entry in ClinVar:

ClinVar aggregate classification (germline): Uncertain significance (1 of 4 stars; one submission).

Conditions:
KIF5B-related condition.

Submission:

PreventionGenetics, part of Exact Sciences
Classification: Uncertain significance for KIF5B-related condition. Last evaluated: 2026-01-11. Review status: criteria provided, single submitter. Criteria: ACMG Guidelines, 2015. Collection method: clinical testing. Allele origin: germline.
Comment: The KIF5B c.1462G>A variant is predicted to result in the amino acid substitution p.Val488Met. To our knowledge, this variant has not been reported in the literature or in a large population database (gnomAD), indicating this variant is rare. At this time, the clinical significance of this variant is uncertain due to the absence of conclusive functional and genetic evidence.

NM_004521.3(KIF5B):c.1462G>A (p.Val488Met)

Gene: KIF5B (kinesin family member 5B; minus strand). Cytogenetic location: 10p11.22.
Variant type: single nucleotide variant.
Coding change: c.1462G>A on transcript NM_004521.3 (MANE Select); coding-DNA position 1462, G replaced by A.
Protein change: p.Val488Met; replaces valine 488 with methionine.
Molecular consequence: missense variant.
Genome position (GRCh38, 1-based): chr10:32,031,192, C>T on the plus strand (G>A on the coding strand, the complement: KIF5B is on the minus strand). VCF-style: chr10-32031192-C-T. GRCh37 (hg19) VCF-style: chr10-32320120-C-T.
Other names: short protein forms V488M.
Identifiers: ClinVar variation 5002150 (VCV005002150.1).